The following is an entry in ClinVar:

ClinVar aggregate classification (germline): Uncertain significance. Review status: criteria provided, multiple submitters, no conflicts (2 of 4 stars). 2 submissions from 2 submitters: Uncertain significance (2). Last evaluated 2025-05-27.

Conditions:
Hereditary cancer-predisposing syndrome. Also called: Neoplastic Syndromes, Hereditary; Tumor predisposition; Hereditary neoplastic syndrome; Hereditary Cancer Syndrome. Identifiers: Orphanet 140162, MedGen C0027672, MeSH D009386, MONDO:0015356.

Submissions (2):

Ambry Genetics
Classification: Uncertain significance for Hereditary cancer-predisposing syndrome. Last evaluated: 2025-05-27. Review status: criteria provided, single submitter. Criteria: Ambry Variant Classification Scheme 2023. Collection method: clinical testing. Allele origin: germline.
Comment: The p.L234F variant (also known as c.700C>T), located in coding exon 7 of the FANCC gene, results from a C to T substitution at nucleotide position 700. The leucine at codon 234 is replaced by phenylalanine, an amino acid with highly similar properties. This amino acid position is conserved. In addition, this alteration is predicted to be deleterious by in silico analysis. Based on the available evidence, the clinical significance of this variant remains unclear.

GeneDx
Classification: Uncertain significance. Last evaluated: 2020-01-16. Review status: criteria provided, single submitter. Criteria: GeneDx Variant Classification Process June 2021. Collection method: clinical testing. Allele origin: germline. Affected: yes.
Comment: Not observed in large population cohorts (Lek 2016); In silico analysis, which includes protein predictors and evolutionary conservation, supports a deleterious effect; Has not been previously published as pathogenic or benign to our knowledge

NM_000136.3(FANCC):c.700C>T (p.Leu234Phe)

Genes: FANCC (FA complementation group C; minus strand), AOPEP (aminopeptidase O (putative); plus strand). Cytogenetic location: 9q22.32.
Variant type: single nucleotide variant.
Coding change: c.700C>T on transcript NM_000136.3 (MANE Select); coding-DNA position 700, C replaced by T.
Protein change: p.Leu234Phe; replaces leucine 234 with phenylalanine.
Molecular consequence: missense variant.
Genome position (GRCh38, 1-based): chr9:95,135,489, G>A on the plus strand (C>T on the coding strand, the complement: FANCC is on the minus strand). VCF-style: chr9-95135489-G-A. GRCh37 (hg19) VCF-style: chr9-97897771-G-A.
Other names: c.700C>T, p.Leu234Phe (NM_001243743.2, NM_001243744.2); short protein forms L234F.
Identifiers: ClinVar variation 1212023 (VCV001212023.4), dbSNP rs1827537458, ClinGen allele CA374109465.